The following is an entry in ClinVar:

ClinVar aggregate classification (germline): Uncertain significance. Review status: reviewed by expert panel (3 of 4 stars). 3 submissions from 3 submitters: Uncertain significance (1). 2 of the submissions do not count toward it. Last evaluated 2023-04-05.

Conditions:
Hereditary cancer-predisposing syndrome. Also called: Neoplastic Syndromes, Hereditary; Tumor predisposition; Hereditary Cancer Syndrome; Hereditary neoplastic syndrome. Identifiers: Orphanet 140162, MedGen C0027672, MeSH D009386, MONDO:0015356.
PALB2-related cancer predisposition. Identifiers: MedGen CN377761, MONDO:0700272.
Familial cancer of breast. Also called: BREAST CANCER, FAMILIAL; Hereditary breast cancer; hereditary breast carcinoma. Identifiers: Orphanet 227535, MedGen C0346153, MONDO:0016419, OMIM 114480. Disease mechanism: loss of function.

Allele frequency attached by ClinVar (database versions not stated): gnomAD exomes below 0.00001.
gnomAD v4.1: 3 of 1,577,962 alleles (0.00019%); highest among the groups gnomAD compares: South Asian, 0.0011%; no homozygotes.

Submissions (3):

ClinGen Hereditary Breast, Ovarian and Pancreatic Cancer Variant Curation Expert Panel, ClinGen
Classification: Uncertain significance for PALB2-related cancer predisposition. Last evaluated: 2023-04-05. Review status: reviewed by expert panel. Criteria: ClinGen HBOP VCEP ACMG Specifications PALB2 V1.0.0. Collection method: curation. Allele origin: germline. Inheritance: Autosomal dominant inheritance.
Comment: The c.2831T>A variant in PALB2 is a missense variant predicted to cause substitution of isoleucine by asparagine at amino acid 944 (p.Ile944Asn). This variant is absent from gnomAD v2.1.1. This variant is non-functional in multiple different protein assays (PMID: 31757951, 31636395); however due to a lack of positive missense controls with known clinical impact, these protein assays do not meet the requirements for use by the HBOP VCEP. PALB2, in which the variant was identified, is defined by the HBOP VCEP as a gene for which primarily truncating variants are known to cause disease. In summary, this variant meets criteria to be classified as a variant of uncertain significance for autosomal dominant hereditary breast and pancreatic cancer and autosomal recessive FANCN based on the ACMG/AMP criteria applied, as specified by the HBOP VCEP. (PM2_Supporting, BP1)

Labcorp Genetics (formerly Invitae), Labcorp
Classification: Uncertain significance for Familial cancer of breast. Last evaluated: 2022-12-20. Review status: criteria provided, single submitter. Criteria: Invitae Variant Classification Sherloc (09022015). Collection method: clinical testing. Allele origin: germline. Not counted in ClinVar's aggregate classification.
Comment: In summary, the available evidence is currently insufficient to determine the role of this variant in disease. Therefore, it has been classified as a Variant of Uncertain Significance. Experimental studies have shown that this missense change affects PALB2 function (PMID: 31636395, 31757951). Advanced modeling of protein sequence and biophysical properties (such as structural, functional, and spatial information, amino acid conservation, physicochemical variation, residue mobility, and thermodynamic stability) performed at Invitae indicates that this missense variant is expected to disrupt PALB2 protein function. ClinVar contains an entry for this variant (Variation ID: 187262). This missense change has been observed in individual(s) with breast cancer (PMID: 30638972). This variant is not present in population databases (gnomAD no frequency). This sequence change replaces isoleucine, which is neutral and non-polar, with asparagine, which is neutral and polar, at codon 944 of the PALB2 protein (p.Ile944Asn).

Ambry Genetics
Classification: Uncertain significance for Hereditary cancer-predisposing syndrome. Last evaluated: 2020-12-21. Review status: criteria provided, single submitter. Criteria: Ambry Variant Classification Scheme 2023. Collection method: clinical testing. Allele origin: germline. Not counted in ClinVar's aggregate classification.
Comment: The p.I944N variant (also known as c.2831T>A), located in coding exon 8 of the PALB2 gene, results from a T to A substitution at nucleotide position 2831. The isoleucine at codon 944 is replaced by asparagine, an amino acid with dissimilar properties. This alteration has been reported in 2/13087 breast cancer cases and 0/5488 control individuals in the United Kingdom (Decker B et al. J Med Genet 2017 11;54(11):732-741). In a homology-directed DNA repair (HDR) assay, PARP inhibitor sensitivity assay, and RAD51 foci assay, this alteration was found to be functionally abnormal (Wiltshire T et al. Genet Med 2020 03;22(3):622-632; Boonen RACM et al. Nat Commun 2019 11;10(1):5296). This amino acid position is highly conserved in available vertebrate species. In addition, the in silico prediction for this alteration is inconclusive. Since supporting evidence is limited at this time, the clinical significance of this alteration remains unclear.

Literature cited by the submitters: PubMed 31636395 (cited by Labcorp Genetics (formerly Invitae), Labcorp); PubMed 31757951 (cited by Labcorp Genetics (formerly Invitae), Labcorp); PubMed 30638972 (cited by Labcorp Genetics (formerly Invitae), Labcorp).

NM_024675.4(PALB2):c.2831T>A (p.Ile944Asn)

Gene: PALB2 (partner and localizer of BRCA2; minus strand). Cytogenetic location: 16p12.2.
Variant type: single nucleotide variant.
Coding change: c.2831T>A on transcript NM_024675.4 (MANE Select); coding-DNA position 2831, T replaced by A.
Protein change: p.Ile944Asn; replaces isoleucine 944 with asparagine.
Molecular consequence: missense variant.
Genome position (GRCh38, 1-based): chr16:23,624,012, A>T on the plus strand (T>A on the coding strand, the complement: PALB2 is on the minus strand). VCF-style: chr16-23624012-A-T. GRCh37 (hg19) VCF-style: chr16-23635333-A-T.
Other names: NM_024675.3(PALB2):c.2831T>A; p.Ile944Asn; short protein forms I944N.
Identifiers: ClinVar variation 187262 (VCV000187262.10), dbSNP rs201817103, ClinGen allele CA197176.